The following continues an entry in ClinVar:

NM_000053.4(ATP7B):c.3646G>A (p.Val1216Met)

Gene: ATP7B. ClinVar aggregate classification (germline): Pathogenic/Likely pathogenic. Pathogenic (9); Likely pathogenic (5).

Submissions 11 to 16 of 16:

ARUP Laboratories, Molecular Genetics and Genomics, ARUP Laboratories
Classification: Likely pathogenic for Wilson disease. Last evaluated: 2019-06-13. Review status: criteria provided, single submitter. Criteria: ARUP Molecular Germline Variant Investigation Process. Collection method: clinical testing. Allele origin: germline.
Comment: The ATP7B c.3646G>A; p.Val1216Met variant (rs776280797) is reported in the literature in multiple individuals affected with Wilson disease (Haas 1999, Liu 2004, Loudianos 1998, Mak 2008, Margarit 2005, Qian 2019). Multiple affected individuals with this variant were also found to carry an additional pathogenic variant (Liu 2004, Margarit 2005, Qian 2019). The p.Val1216Met variant is found in the general population with the low overall allele frequency of 0.01% (24/280998 alleles) in the Genome Aggregation Database, and it is reported as likely pathogenic by multiple laboratories in ClinVar (Variation ID: 188859). The valine at codon 1216 is highly conserved, occurs in the functionally important ATP-binding loop (Loudianos 1998, Mak 2008), and computational analyses (SIFT, PolyPhen-2) predict that this variant is deleterious. Based on available information, this variant is considered to be likely pathogenic. References: Haas R et al. Mutation analysis in patients with Wilson disease: identification of 4 novel mutations. Mutation in brief no. 250. Online. Hum Mutat. 1999;14(1):88. Liu XQ et al. Correlation of ATP7B genotype with phenotype in Chinese patients with Wilson disease. World J Gastroenterol. 2004 Feb 15;10(4):590-3. Loudianos G et al. Further delineation of the molecular pathology of Wilson disease in the Mediterranean population. Hum Mutat. 1998;12(2):89-94. Mak CM et al. Mutational analysis of 65 Wilson disease patients in Hong Kong Chinese: identification of 17 novel mutations and its genetic heterogeneity. J Hum Genet. 2008;53(1):55-63. Margarit E et al. Mutation analysis of Wilson disease in the Spanish population -- identification of a prevalent substitution and eight novel mutations in the ATP7B gene. Clin Genet. 2005 Jul;68(1):61-8. Qian Z et al. Novel mutations found in the ATP7B gene in Chinese patients with Wilson's disease. Mol Genet Genomic Med. 2019 May;7(5):e649.

Fulgent Genetics
Classification: Likely pathogenic for Wilson disease. Last evaluated: 2018-10-31. Review status: criteria provided, single submitter. Criteria: ACMG Guidelines, 2015. Collection method: clinical testing. Allele origin: unknown.

Eurofins Ntd Llc (ga)
Classification: Likely pathogenic. Last evaluated: 2015-08-28. Review status: criteria provided, single submitter. Criteria: EGL Classification Definitions 2015. Collection method: clinical testing. Allele origin: germline. Observed: 1 variant allele, 1 heterozygote.

Juno Genomics, Hangzhou Juno Genomics, Inc
Classification: Pathogenic for Wilson disease. Review status: criteria provided, single submitter. Criteria: ACMG Guidelines, 2015. Collection method: clinical testing. Allele origin: germline. Affected: yes.
Comment: Absent from controls (or at extremely low frequency if recessive) in Genome Aggregation Database.;For recessive disorders, detected in trans with a pathogenic variant.;Patient's phenotype or family history is highly specific for a disease with a single genetic etiology.;Multiple lines of computational evidence support a deleterious effect on the gene or gene product.

Counsyl
Classification: Likely pathogenic for Wilson's disease. Last evaluated: 2014-07-02. Review status: no assertion criteria provided. Collection method: literature only. Allele origin: unknown. Inheritance: Autosomal recessive inheritance. Not counted in ClinVar's aggregate classification.

Chongqing Key Laboratory of Child Rare Diseases in Infection and Immunity, Children’s Hospital of Chongqing Medical University
Classification: Uncertain significance for Wilson disease. Last evaluated: 2024-01-01. Review status: flagged submission. Criteria: ACMG Guidelines, 2015. Collection method: clinical testing. Allele origin: germline. Inheritance: Autosomal recessive inheritance. Affected: yes. Not counted in ClinVar's aggregate classification.
Comment: Classified as Uncertain significance according to the ACMG/AMP 2015 guidelines (PMID:25741868). The classification was based on the available submitted evidence for Wilson disease (OMIM:277900), including clinical-testing observations, variant consequence/protein annotation, and published or ClinVar evidence where available. Supporting information considered: variant annotation: p.Val1216Met; Missense; Protein domain: N-domain-enriched; submitted notation: NM_000053.4:c.3646G>A (p.Val1216Met); source variant type: Missense; source domain: N-domain-enriched; allele count n=230: 5.
ClinVar note: Reason: Outlier claim with insufficient supporting evidence

Literature cited by the submitters: PubMed 10447265 (cited by 5 submitters); PubMed 14966923 (cited by 5 submitters); PubMed 15952988 (cited by 6 submitters); PubMed 26253413 (cited by 4 submitters); PubMed 30884209 (cited by Natera, Inc.); PubMed 27022412 (cited by 4 submitters); PubMed 36966606 (cited by Natera, Inc.); PubMed 35220961 (cited by Natera, Inc.); PubMed 9671269 (cited by 4 submitters); PubMed 11043508 (cited by 4 submitters); PubMed 17587212 (cited by 4 submitters); PubMed 17876883 (cited by 3 submitters); PubMed 18034201 (cited by 3 submitters); PubMed 21219664 (cited by 3 submitters); PubMed 26782526 (cited by All of Us Research Program, National Institutes of Health and Color Diagnostics, LLC DBA Color Health); PubMed 35245129 (cited by All of Us Research Program, National Institutes of Health and Color Diagnostics, LLC DBA Color Health); PubMed 31708252 (cited by Women's Health and Genetics/Laboratory Corporation of America, LabCorp); PubMed 20931554 (cited by Counsyl); PubMed 21645214 (cited by Counsyl); PubMed 22692182 (cited by Counsyl).